The following is an entry in ClinVar:

NM_194248.3(OTOF):c.3124A>G (p.Met1042Val)

Gene: OTOF (otoferlin; minus strand). Cytogenetic location: 2p23.3.
Variant type: single nucleotide variant.
Coding change: c.3124A>G on transcript NM_194248.3 (MANE Select); coding-DNA position 3124, A replaced by G.
Protein change: p.Met1042Val; replaces methionine 1042 with valine.
Molecular consequence: missense variant.
Genome position (GRCh38, 1-based): chr2:26,475,361, T>C on the plus strand (A>G on the coding strand, the complement: OTOF is on the minus strand). VCF-style: chr2-26475361-T-C. GRCh37 (hg19) VCF-style: chr2-26698229-T-C.
Other names: c.3124A>G, p.Met1042Val (NM_001287489.2); c.883A>G, p.Met295Val (NM_004802.4, NM_194323.3); c.1054A>G, p.Met352Val (NM_194322.3); short protein forms M1042V, M352V, M295V.
Identifiers: ClinVar variation 179807 (VCV000179807.10), dbSNP rs727505142, ClinGen allele CA185178.

ClinVar aggregate classification (germline): Uncertain significance. Review status: criteria provided, multiple submitters, no conflicts (2 of 4 stars). 2 submissions from 2 submitters: Uncertain significance (2). Last evaluated 2024-02-23.

Allele frequency attached by ClinVar (database versions not stated): ExAC 0.00001; gnomAD exomes 0.00001 and 0.00002; gnomAD 0.00003; TOPMed 0.00006; 1000 Genomes Project 30x 0.00016.

Submissions (2):

Labcorp Genetics (formerly Invitae), Labcorp
Classification: Uncertain significance. Last evaluated: 2024-02-23. Review status: criteria provided, single submitter. Criteria: Invitae Variant Classification Sherloc (09022015). Collection method: clinical testing. Allele origin: germline.
Comment: This sequence change replaces methionine, which is neutral and non-polar, with valine, which is neutral and non-polar, at codon 1042 of the OTOF protein (p.Met1042Val). This variant is present in population databases (rs727505142, gnomAD 0.02%). This variant has not been reported in the literature in individuals affected with OTOF-related conditions. ClinVar contains an entry for this variant (Variation ID: 179807). An algorithm developed to predict the effect of missense changes on protein structure and function (PolyPhen-2) suggests that this variant is likely to be tolerated. In summary, the available evidence is currently insufficient to determine the role of this variant in disease. Therefore, it has been classified as a Variant of Uncertain Significance.

Laboratory for Molecular Medicine, Mass General Brigham Personalized Medicine
Classification: Uncertain significance. Last evaluated: 2015-11-30. Review status: criteria provided, single submitter. Criteria: LMM Criteria. Collection method: clinical testing. Allele origin: germline. Observed: 1 variant allele.
Comment: proposed classification - variant undergoing re-assessment, contact laboratory